The following is an entry in ClinVar:

NM_015404.4(WHRN):c.1574C>T (p.Thr525Met)

Gene: WHRN (whirlin; minus strand). Cytogenetic location: 9q32.
Variant type: single nucleotide variant.
Coding change: c.1574C>T on transcript NM_015404.4 (MANE Select); coding-DNA position 1574, C replaced by T.
Protein change: p.Thr525Met; replaces threonine 525 with methionine.
Molecular consequence: missense variant.
Genome position (GRCh38, 1-based): chr9:114,423,366, G>A on the plus strand (C>T on the coding strand, the complement: WHRN is on the minus strand). VCF-style: chr9-114423366-G-A. GRCh37 (hg19) VCF-style: chr9-117185646-G-A.
Other names: c.425C>T, p.Thr142Met (NM_001083885.3); c.1574C>T, p.Thr525Met (NM_001173425.2); c.521C>T, p.Thr174Met (NM_001346890.1); short protein forms T174M, T142M, T525M.
Identifiers: ClinVar variation 1946558 (VCV001946558.3), dbSNP rs763404501, ClinGen allele CA5205907.

ClinVar aggregate classification (germline): Uncertain significance (1 of 4 stars; one submission).

gnomAD v4.1: 19 of 1,613,942 alleles (0.0012%); highest among the groups gnomAD compares: East Asian, 0.0045%; no homozygotes.

Submission:

Labcorp Genetics (formerly Invitae), Labcorp
Classification: Uncertain significance. Last evaluated: 2025-05-27. Review status: criteria provided, single submitter. Criteria: Invitae Variant Classification Sherloc (09022015). Collection method: clinical testing. Allele origin: germline.
Comment: This sequence change replaces threonine, which is neutral and polar, with methionine, which is neutral and non-polar, at codon 525 of the WHRN protein (p.Thr525Met). This variant is present in population databases (rs763404501, gnomAD 0.01%). This variant has not been reported in the literature in individuals affected with WHRN-related conditions. ClinVar contains an entry for this variant (Variation ID: 1946558). An algorithm developed to predict the effect of missense changes on protein structure and function (PolyPhen-2) suggests that this variant is likely to be disruptive. In summary, the available evidence is currently insufficient to determine the role of this variant in disease. Therefore, it has been classified as a Variant of Uncertain Significance.